The following is an entry in ClinVar:

ClinVar aggregate classification (germline): Conflicting classifications of pathogenicity. Review status: criteria provided, conflicting classifications (1 of 4 stars). 9 submissions from 9 submitters: Uncertain significance (5); Likely benign (4). Last evaluated 2025-12-10.

Conditions:
Hereditary nonpolyposis colorectal neoplasms. Identifiers: MedGen C0009405, MeSH D003123.
PMS2-related disorder. Also called: PMS2-related condition.
Hereditary cancer-predisposing syndrome. Also called: Neoplastic Syndromes, Hereditary; Tumor predisposition; Hereditary Cancer Syndrome; Hereditary neoplastic syndrome. Identifiers: Orphanet 140162, MedGen C0027672, MeSH D009386, MONDO:0015356.
Lynch syndrome. Identifiers: Orphanet 144, MedGen C4552100, MONDO:0005835. Disease mechanism: loss of function.
Lynch syndrome 4 (LYNCH4). Also called: Colorectal cancer, hereditary nonpolyposis, type 4; Hereditary non-polyposis colorectal cancer, type 4. Identifiers: Orphanet 144, MedGen C1838333, MONDO:0013699, OMIM 614337. Disease mechanism: loss of function.

Allele frequency attached by ClinVar (database versions not stated): TOPMed 0.00001.
gnomAD v4.1: 7 of 1,614,018 alleles (0.00043%); highest among the groups gnomAD compares: Admixed American, 0.012%; no homozygotes.

Submissions (9):

Labcorp Genetics (formerly Invitae), Labcorp
Classification: Uncertain significance for Hereditary nonpolyposis colorectal neoplasms. Last evaluated: 2025-12-10. Review status: criteria provided, single submitter. Criteria: Invitae Variant Classification Sherloc (09022015). Collection method: clinical testing. Allele origin: germline.
Comment: This sequence change replaces glycine, which is neutral and non-polar, with serine, which is neutral and polar, at codon 452 of the PMS2 protein (p.Gly452Ser). This variant is present in population databases (rs569947936, gnomAD 0.02%). This variant has not been reported in the literature in individuals affected with PMS2-related conditions. ClinVar contains an entry for this variant (Variation ID: 230823). Invitae Evidence Modeling incorporating data from in vitro experimental studies (internal data) indicates that this missense variant is not expected to disrupt PMS2 function with a negative predictive value of 95%. In summary, the available evidence is currently insufficient to determine the role of this variant in disease. Therefore, it has been classified as a Variant of Uncertain Significance.

PreventionGenetics, part of Exact Sciences
Classification: Uncertain significance for PMS2-related condition. Last evaluated: 2025-11-17. Review status: criteria provided, single submitter. Criteria: ACMG Guidelines, 2015. Collection method: clinical testing. Allele origin: germline.
Comment: The PMS2 c.1354G>A variant is predicted to result in the amino acid substitution p.Gly452Ser. To our knowledge, this variant has not been reported in the literature. This variant is reported in 0.017% of alleles in individuals of Latino descent in gnomAD and has conflicting interpretations regarding its pathogenicity in ClinVar, ranging from likely benign to uncertain (Variation ID: 230823). Although we suspect that this variant may be benign, at this time, the clinical significance of this variant is uncertain due to the absence of conclusive functional and genetic evidence.

Myriad Genetics, Inc.
Classification: Likely benign for Lynch syndrome 4. Last evaluated: 2025-01-30. Review status: criteria provided, single submitter. Criteria: Myriad Autosomal Dominant, Autosomal Recessive and X-Linked Classification Criteria (2023). Collection method: clinical testing. Allele origin: unknown.
Comment: This variant is considered likely benign. This variant has been observed in trans with a known pathogenic variant in one or more individuals lacking clinical features consistent with gene-specific recessive disease.

Color Diagnostics, LLC DBA Color Health
Classification: Likely benign for Hereditary cancer-predisposing syndrome. Last evaluated: 2024-10-17. Review status: criteria provided, single submitter. Criteria: ACMG Guidelines, 2015. Collection method: clinical testing. Allele origin: germline.

All of Us Research Program, National Institutes of Health
Classification: Likely benign for Lynch syndrome. Last evaluated: 2024-02-05. Review status: criteria provided, single submitter. Criteria: ACMG Guidelines, 2015. Collection method: clinical testing. Allele origin: germline. Inheritance: Autosomal dominant inheritance. Observed: 3 variant alleles, 3 heterozygotes.
Comment: This study involves interpretation of variants in research participants for the purpose of population health screening. Participant phenotype was not available at the time of variant classification. Additional details can be found in publication PMID: 35346344, PMCID: PMC8962531

GeneDx
Classification: Uncertain significance. Last evaluated: 2023-01-31. Review status: criteria provided, single submitter. Criteria: GeneDx Variant Classification Process June 2021. Collection method: clinical testing. Allele origin: germline. Affected: yes.
Comment: In silico analysis supports that this missense variant does not alter protein structure/function; Has not been previously published as pathogenic or benign to our knowledge

Women's Health and Genetics/Laboratory Corporation of America, LabCorp
Classification: Uncertain significance. Last evaluated: 2021-09-25. Review status: criteria provided, single submitter. Criteria: LabCorp Variant Classification Summary - May 2015. Collection method: clinical testing. Allele origin: germline.

Quest Diagnostics Nichols Institute San Juan Capistrano
Classification: Uncertain significance. Last evaluated: 2020-12-08. Review status: criteria provided, single submitter. Criteria: Quest Diagnostics criteria. Collection method: clinical testing. Allele origin: unknown.

Ambry Genetics
Classification: Likely benign for Hereditary cancer-predisposing syndrome. Last evaluated: 2018-08-21. Review status: criteria provided, single submitter. Criteria: Ambry Variant Classification Scheme 2023. Collection method: clinical testing. Allele origin: germline.

NM_000535.7(PMS2):c.1354G>A (p.Gly452Ser)

Gene: PMS2 (PMS1 homolog 2, mismatch repair system component; minus strand). Cytogenetic location: 7p22.1.
Variant type: single nucleotide variant.
Coding change: c.1354G>A on transcript NM_000535.7 (MANE Select); coding-DNA position 1354, G replaced by A.
Protein change: p.Gly452Ser; replaces glycine 452 with serine.
Molecular consequence: missense variant. On other transcripts: non-coding transcript variant (1).
Genome position (GRCh38, 1-based): chr7:5,987,411, C>T on the plus strand (G>A on the coding strand, the complement: PMS2 is on the minus strand). VCF-style: chr7-5987411-C-T. GRCh37 (hg19) VCF-style: chr7-6027042-C-T.
Other names: c.949G>A, p.Gly317Ser (NM_001322003.2, NM_001322004.2, NM_001322005.2 and 1 more transcripts); c.1198G>A, p.Gly400Ser (NM_001322006.2); c.1036G>A, p.Gly346Ser (NM_001322007.2, NM_001322008.2); c.793G>A, p.Gly265Ser (NM_001322010.2); c.421G>A, p.Gly141Ser (NM_001322011.2, NM_001322012.2); c.781G>A, p.Gly261Ser (NM_001322013.2); c.1354G>A, p.Gly452Ser (NM_001322014.2); c.1045G>A, p.Gly349Ser (NM_001322015.2); short protein forms G452S, G141S, G261S, G400S, G317S, G265S, G346S, G349S.
Identifiers: ClinVar variation 230823 (VCV000230823.25), dbSNP rs569947936, ClinGen allele CA043115.